The following is an entry in ClinVar:

ClinVar aggregate classification (germline): Uncertain significance (1 of 4 stars; one submission).

Conditions:
Arrhythmogenic cardiomyopathy with wooly hair and keratoderma. Also called: PALMOPLANTAR KERATODERMA WITH LEFT VENTRICULAR CARDIOMYOPATHY AND WOOLLY HAIR; Carvajal syndrome; Dilated cardiomyopathy with woolly hair and keratoderma; Arrhythmogenic cardiomyopathy with woolly hair and keratoderma. Identifiers: Orphanet 65282, MedGen C1854063, MONDO:0011581, OMIM 605676.
Arrhythmogenic right ventricular dysplasia 8 (ARVD8). Also called: Arrhythmogenic Right Ventricular Dysplasia/Cardiomyopathy 8; ARRHYTHMOGENIC RIGHT VENTRICULAR DYSPLASIA, FAMILIAL, 8; ARRHYTHMOGENIC RIGHT VENTRICULAR CARDIOMYOPATHY 8. Identifiers: MedGen C1843896, MONDO:0011831, OMIM 607450.

Submission:

Labcorp Genetics (formerly Invitae), Labcorp
Classification: Uncertain significance for Arrhythmogenic cardiomyopathy with wooly hair and keratoderma; Arrhythmogenic right ventricular dysplasia 8. Last evaluated: 2025-11-25. Review status: criteria provided, single submitter. Criteria: Invitae Variant Classification Sherloc (09022015). Collection method: clinical testing. Allele origin: germline.
Comment: This sequence change replaces leucine, which is neutral and non-polar, with methionine, which is neutral and non-polar, at codon 811 of the DSP protein (p.Leu811Met). This variant is not present in population databases (gnomAD no frequency). This variant has not been reported in the literature in individuals affected with DSP-related conditions. An algorithm developed to predict the effect of missense changes on protein structure and function (PolyPhen-2) suggests that this variant is likely to be disruptive. In summary, the available evidence is currently insufficient to determine the role of this variant in disease. Therefore, it has been classified as a Variant of Uncertain Significance.

NM_004415.4(DSP):c.2431C>A (p.Leu811Met)

Gene: DSP (desmoplakin; plus strand). Cytogenetic location: 6p24.3.
Variant type: single nucleotide variant.
Coding change: c.2431C>A on transcript NM_004415.4 (MANE Select); coding-DNA position 2431, C replaced by A.
Protein change: p.Leu811Met; replaces leucine 811 with methionine.
Molecular consequence: missense variant.
Genome position (GRCh38, 1-based): chr6:7,574,790, C>A. VCF-style: chr6-7574790-C-A. GRCh37 (hg19) VCF-style: chr6-7575023-C-A.
Other names: c.2431C>A, p.Leu811Met (NM_001008844.3, NM_001319034.2); short protein forms L811M.
Identifiers: ClinVar variation 4791758 (VCV004791758.1).